The following is an entry in ClinVar:

NM_006017.3(PROM1):c.2531A>G (p.Asn844Ser)

Gene: PROM1 (prominin 1; minus strand). Cytogenetic location: 4p15.32.
Variant type: single nucleotide variant.
Coding change: c.2531A>G on transcript NM_006017.3 (MANE Select); coding-DNA position 2531, A replaced by G.
Protein change: p.Asn844Ser; replaces asparagine 844 with serine.
Molecular consequence: missense variant. On other transcripts: intron variant (6).
Genome position (GRCh38, 1-based): chr4:15,979,446, T>C on the plus strand (A>G on the coding strand, the complement: PROM1 is on the minus strand). VCF-style: chr4-15979446-T-C. GRCh37 (hg19) VCF-style: chr4-15981069-T-C.
Other names: c.2504A>G, p.Asn835Ser (NM_001145847.2, NM_001145848.2, NM_001371406.1); c.2462+976A>G (NM_001145852.2, NM_001371408.1, NM_001371407.1); c.2489+976A>G (NM_001145850.2); c.2486+435A>G (NM_001145851.2); c.2513+435A>G (NM_001145849.2); short protein forms N844S, N835S.
Identifiers: ClinVar variation 2754747 (VCV002754747.3), dbSNP rs2474850758, ClinGen allele CA356425838.

ClinVar aggregate classification (germline): Uncertain significance (1 of 4 stars; one submission).

Allele frequency attached by ClinVar (database versions not stated): gnomAD exomes 0.00001.
gnomAD v4.1: 11 of 1,611,256 alleles (0.00068%); highest among the groups gnomAD compares: Non-Finnish European, 0.00093%; no homozygotes.

Submission:

Labcorp Genetics (formerly Invitae), Labcorp
Classification: Uncertain significance. Last evaluated: 2024-01-12. Review status: criteria provided, single submitter. Criteria: Invitae Variant Classification Sherloc (09022015). Collection method: clinical testing. Allele origin: germline.
Comment: This sequence change replaces asparagine, which is neutral and polar, with serine, which is neutral and polar, at codon 844 of the PROM1 protein (p.Asn844Ser). This variant is not present in population databases (gnomAD no frequency). This variant has not been reported in the literature in individuals affected with PROM1-related conditions. Algorithms developed to predict the effect of missense changes on protein structure and function output the following: SIFT: "Not Available"; PolyPhen-2: "Benign"; Align-GVGD: "Not Available". The serine amino acid residue is found in multiple mammalian species, which suggests that this missense change does not adversely affect protein function. In summary, the available evidence is currently insufficient to determine the role of this variant in disease. Therefore, it has been classified as a Variant of Uncertain Significance.